The following is an entry in ClinVar:

NM_000018.4(ACADVL):c.5_30del (p.Gln2fs)

Genes: ACADVL (acyl-CoA dehydrogenase very long chain; plus strand), DLG4 (discs large MAGUK scaffold protein 4; minus strand). Cytogenetic location: 17p13.1.
Variant type: Deletion.
Coding change: c.5_30del on transcript NM_000018.4 (MANE Select); coding-DNA positions 5 to 30, 26 bases deleted (AGGCGGCTCGGATGGCCGCGAGCTTG).
Protein change: p.Gln2fs; shifts the reading frame from glutamine 2.
Molecular consequence: frameshift variant. On other transcripts: 5 prime UTR variant (2), non-coding transcript variant (1), intron variant (1).
Genome position (GRCh38, 1-based): chr17:7,219,989-7,220,014, AGGCGGCTCGGATGGCCGCGAGCTTG deleted. VCF-style (leftmost placement, unchanged base first): chr17-7219988-CAGGCGGCTCGGATGGCCGCGAGCTTG-C. GRCh37 (hg19) VCF-style: chr17-7123307-CAGGCGGCTCGGATGGCCGCGAGCTTG-C.
Other names: c.-1165_-1140del (NM_001321074.1); c.5_30del, p.Gln2fs (NM_001033859.3); c.-299_-274del (NM_001270448.2); c.132-133_132-108del (NM_001270447.2); short protein forms Q2fs.
Identifiers: ClinVar variation 4817423 (VCV004817423.1).

ClinVar aggregate classification (germline): Likely pathogenic (1 of 4 stars; one submission).

Conditions:
Very long chain acyl-CoA dehydrogenase deficiency (ACADVLD). Also called: VLCAD Deficiency; Very Long-Chain Acyl-Coenzyme A Dehydrogenase Deficiency. Identifiers: Orphanet 26793, MedGen C3887523, MONDO:0008723, OMIM 201475.

Submission:

Natera, Inc.
Classification: Likely pathogenic for Very long chain acyl-CoA dehydrogenase deficiency. Last evaluated: 2024-11-19. Review status: criteria provided, single submitter. Criteria: Natera Variant Classification Schema (03/2026). Collection method: clinical testing. Allele origin: germline.
Comment: The c.5_30del variant in ACADVL is a frameshift variant predicted to shift the reading frame beginning at codon 2 and leads to a stop codon 48 codons downstream. This variant is expected to result in nonsense mediated decay, truncation, or a dysfunctional protein product. This variant is rare in the general population with a frequency below the threshold expected for the associated phenotype(s). Given the available evidence, this variant is classified as Likely Pathogenic.